The following is an entry in ClinVar:

ClinVar aggregate classification (germline): Uncertain significance (1 of 4 stars; one submission).

gnomAD v4.1: 11 of 1,614,032 alleles (0.00068%); highest among the groups gnomAD compares: African/African-American, 0.015%; no homozygotes.

Submission:

Labcorp Genetics (formerly Invitae), Labcorp
Classification: Uncertain significance. Last evaluated: 2025-05-19. Review status: criteria provided, single submitter. Criteria: Invitae Variant Classification Sherloc (09022015). Collection method: clinical testing. Allele origin: germline.
Comment: This sequence change replaces glycine, which is neutral and non-polar, with glutamic acid, which is acidic and polar, at codon 412 of the PRPF4 protein (p.Gly412Glu). This variant is present in population databases (rs373699969, gnomAD 0.03%). This variant has not been reported in the literature in individuals affected with PRPF4-related conditions. An algorithm developed to predict the effect of missense changes on protein structure and function (PolyPhen-2) suggests that this variant is likely to be tolerated. Algorithms developed to predict the effect of sequence changes on RNA splicing suggest that this variant may disrupt the consensus splice site. In summary, the available evidence is currently insufficient to determine the role of this variant in disease. Therefore, it has been classified as a Variant of Uncertain Significance.

NM_001244926.2(PRPF4):c.1232G>A (p.Gly411Glu)

Gene: PRPF4 (pre-mRNA splicing tri-snRNP complex factor PRPF4; plus strand). Cytogenetic location: 9q32.
Variant type: single nucleotide variant.
Coding change: c.1232G>A on transcript NM_001244926.2 (MANE Select); coding-DNA position 1232, G replaced by A.
Protein change: p.Gly411Glu; replaces glycine 411 with glutamic acid.
Molecular consequence: missense variant. On other transcripts: non-coding transcript variant (2).
Genome position (GRCh38, 1-based): chr9:113,290,786, G>A. VCF-style: chr9-113290786-G-A. GRCh37 (hg19) VCF-style: chr9-116053066-G-A.
Other names: c.506G>A, p.Gly169Glu (NM_001322266.2, NM_001322267.2); c.1235G>A, p.Gly412Glu (NM_004697.5); short protein forms G169E, G411E, G412E.
Identifiers: ClinVar variation 4804749 (VCV004804749.1).
Genomic context (GRCh38, chr9:113,290,786, plus strand): 5'-GGGACCTACGCACAGGACGTTGTATCATGTTCTTAGAAGGCCACCTGAAAGAAATCTATG[G>A]AATAAATTTCTCCCCCAATGGGTAAAATAAACACACTGAATGAGGGGCGAAAAAGGGTTC-3'
Protein context (NP_001231855.1, residues 401-421): FLEGHLKEIY[Gly411Glu]INFSPNGYHI